The following is an entry in ClinVar:

NM_001005242.3(PKP2):c.2014-3C>T

Gene: PKP2 (plakophilin 2; minus strand). Cytogenetic location: 12p11.21.
Variant type: single nucleotide variant.
Coding change: c.2014-3C>T on transcript NM_001005242.3 (MANE Select); 3 bases into the intron before coding-DNA position 2014, C replaced by T.
Molecular consequence: intron variant.
Genome position (GRCh38, 1-based): chr12:32,802,559, G>A on the plus strand (C>T on the coding strand, the complement: PKP2 is on the minus strand). VCF-style: chr12-32802559-G-A. GRCh37 (hg19) VCF-style: chr12-32955493-G-A.
Other names: c.2146-3C>T (NM_004572.3, NM_004572.4).
Identifiers: ClinVar variation 1387828 (VCV001387828.5), dbSNP rs2137725939, ClinGen allele CA2573148583.

ClinVar aggregate classification (germline): Uncertain significance. Review status: criteria provided, multiple submitters, no conflicts (2 of 4 stars). 2 submissions from 2 submitters: Uncertain significance (2). Last evaluated 2026-04-21.

Conditions:
Cardiovascular phenotype. Identifiers: MedGen CN230736.
Arrhythmogenic right ventricular dysplasia 9 (ARVD9). Also called: Arrhythmogenic Right Ventricular Dysplasia/Cardiomyopathy 9; ARRHYTHMOGENIC RIGHT VENTRICULAR DYSPLASIA, FAMILIAL, 9. Identifiers: MedGen C1836906, MONDO:0012180, OMIM 609040.

Submissions (2):

Ambry Genetics
Classification: Uncertain significance for Cardiovascular phenotype. Last evaluated: 2026-04-21. Review status: criteria provided, single submitter. Criteria: Ambry Variant Classification Scheme 2023. Collection method: clinical testing. Allele origin: germline.
Comment: The c.2146-3C>T intronic variant results from a C to T substitution 3 nucleotides before coding exon 11 in the PKP2 gene. This nucleotide position is well conserved in available vertebrate species. In silico splice site analysis predicts that this alteration will not have any significant effect on splicing. Based on the available evidence, the clinical significance of this variant remains unclear.

Labcorp Genetics (formerly Invitae), Labcorp
Classification: Uncertain significance for Arrhythmogenic right ventricular dysplasia 9. Last evaluated: 2021-08-05. Review status: criteria provided, single submitter. Criteria: Invitae Variant Classification Sherloc (09022015). Collection method: clinical testing. Allele origin: germline.
Comment: In summary, the available evidence is currently insufficient to determine the role of this variant in disease. Therefore, it has been classified as a Variant of Uncertain Significance. Nucleotide substitutions within the consensus splice site are a relatively common cause of aberrant splicing (PMID: 17576681, 9536098). Algorithms developed to predict the effect of sequence changes on RNA splicing suggest that this variant may disrupt the consensus splice site, but this prediction has not been confirmed by published transcriptional studies. This variant has not been reported in the literature in individuals with PKP2-related conditions. This variant is not present in population databases (ExAC no frequency). This sequence change falls in intron 10 of the PKP2 gene. It does not directly change the encoded amino acid sequence of the PKP2 protein. It affects a nucleotide within the consensus splice site of the intron.

Literature cited by the submitters: PubMed 17576681 (cited by Labcorp Genetics (formerly Invitae), Labcorp); PubMed 9536098 (cited by Labcorp Genetics (formerly Invitae), Labcorp).